The following is an entry in ClinVar:

NM_005228.5(EGFR):c.1666A>G (p.Ile556Val)

Gene: EGFR (epidermal growth factor receptor; plus strand). Cytogenetic location: 7p11.2.
Variant type: single nucleotide variant.
Coding change: c.1666A>G on transcript NM_005228.5 (MANE Select); coding-DNA position 1666, A replaced by G.
Protein change: p.Ile556Val; replaces isoleucine 556 with valine.
Molecular consequence: missense variant.
Genome position (GRCh38, 1-based): chr7:55,163,767, A>G. VCF-style: chr7-55163767-A-G. GRCh37 (hg19) VCF-style: chr7-55231460-A-G.
Other names: c.1531A>G, p.Ile511Val (NM_001346897.2, NM_001346899.2); c.1666A>G, p.Ile556Val (NM_001346898.2, NM_201282.2, NM_201284.2); c.1507A>G, p.Ile503Val (NM_001346900.2); c.865A>G, p.Ile289Val (NM_001346941.2); c.1666A>G (NM_005228.3); short protein forms I289V, I503V, I511V, I556V.
Identifiers: ClinVar variation 1367065 (VCV001367065.8), dbSNP rs1785820815, ClinGen allele CA367580476.

ClinVar aggregate classification (germline): Uncertain significance. Review status: criteria provided, multiple submitters, no conflicts (2 of 4 stars). 2 submissions from 2 submitters: Uncertain significance (2). Last evaluated 2025-09-23.

Conditions:
Hereditary cancer-predisposing syndrome. Also called: Neoplastic Syndromes, Hereditary; Tumor predisposition; Hereditary neoplastic syndrome; Hereditary Cancer Syndrome. Identifiers: Orphanet 140162, MedGen C0027672, MeSH D009386, MONDO:0015356.
EGFR-related lung cancer (EGFR). Identifiers: MedGen CN130014.

gnomAD v4.1: 11 of 1,614,206 alleles (0.00068%); highest among the groups gnomAD compares: Non-Finnish European, 0.00076%; no homozygotes.

Submissions (2):

Labcorp Genetics (formerly Invitae), Labcorp
Classification: Uncertain significance for EGFR-related lung cancer. Last evaluated: 2025-09-23. Review status: criteria provided, single submitter. Criteria: Invitae Variant Classification Sherloc (09022015). Collection method: clinical testing. Allele origin: germline.
Comment: This sequence change replaces isoleucine, which is neutral and non-polar, with valine, which is neutral and non-polar, at codon 556 of the EGFR protein (p.Ile556Val). This variant is not present in population databases (gnomAD no frequency). This variant has not been reported in the literature in individuals affected with EGFR-related conditions. ClinVar contains an entry for this variant (Variation ID: 1367065). Invitae Evidence Modeling of protein sequence and biophysical properties (such as structural, functional, and spatial information, amino acid conservation, physicochemical variation, residue mobility, and thermodynamic stability) indicates that this missense variant is not expected to disrupt EGFR protein function with a negative predictive value of 80%. In summary, the available evidence is currently insufficient to determine the role of this variant in disease. Therefore, it has been classified as a Variant of Uncertain Significance.

Ambry Genetics
Classification: Uncertain significance for Hereditary cancer-predisposing syndrome. Last evaluated: 2024-12-06. Review status: criteria provided, single submitter. Criteria: Ambry Variant Classification Scheme 2023. Collection method: clinical testing. Allele origin: germline.
Comment: The p.I556V variant (also known as c.1666A>G), located in coding exon 14 of the EGFR gene, results from an A to G substitution at nucleotide position 1666. The isoleucine at codon 556 is replaced by valine, an amino acid with highly similar properties. This amino acid position is conserved. In addition, this alteration is predicted to be tolerated by in silico analysis. Based on the available evidence, the clinical significance of this variant remains unclear.